The following is an entry in ClinVar:

NM_152564.5(VPS13B):c.905G>A (p.Cys302Tyr)

Gene: VPS13B (vacuolar protein sorting 13 homolog B; plus strand). Cytogenetic location: 8q22.2.
Variant type: single nucleotide variant.
Coding change: c.905G>A on transcript NM_152564.5 (MANE Select); coding-DNA position 905, G replaced by A.
Protein change: p.Cys302Tyr; replaces cysteine 302 with tyrosine.
Molecular consequence: missense variant. On other transcripts: non-coding transcript variant (1).
Genome position (GRCh38, 1-based): chr8:99,115,842, G>A. VCF-style: chr8-99115842-G-A. GRCh37 (hg19) VCF-style: chr8-100128070-G-A.
Other names: c.905G>A, p.Cys302Tyr (NM_015243.3, NM_017890.5, NM_181661.3); short protein forms C302Y.
Identifiers: ClinVar variation 4983323 (VCV004983323.1).

ClinVar aggregate classification (germline): Uncertain significance (1 of 4 stars; one submission).

Conditions:
VPS13B-related disorder. Also called: VPS13B-related condition.

Submission:

PreventionGenetics, part of Exact Sciences
Classification: Uncertain significance for VPS13B-related condition. Last evaluated: 2026-06-30. Review status: criteria provided, single submitter. Criteria: ACMG Guidelines, 2015. Collection method: clinical testing. Allele origin: germline.
Comment: The VPS13B c.905G>A variant is predicted to result in the amino acid substitution p.Cys302Tyr. To our knowledge, this variant has not been reported in the literature or in a large population database (gnomAD), indicating this variant is rare. At this time, the clinical significance of this variant is uncertain due to the absence of conclusive functional and genetic evidence.